The following is an entry in ClinVar:

NM_004415.4(DSP):c.4409ATG[1] (p.Asp1471del)

Gene: DSP (desmoplakin; plus strand). Cytogenetic location: 6p24.3.
Variant type: Microsatellite.
Coding change: c.4409ATG[1] on transcript NM_004415.4 (MANE Select); one copy of the 3-base unit ATG starting at c.4409; the reference has two copies in a row; one copy, 3 bases deleted.
Protein change: p.Asp1471del; deletes aspartic acid 1471.
Molecular consequence: inframe deletion. On other transcripts: inframe indel (2), intron variant (2).
Genome position (GRCh38, 1-based): chr6:7,580,602-7,580,604, ATG deleted; deleting any 3 consecutive bases within chr6:7,580,597-7,580,604 gives the same sequence; the position shown is the placement nearest the transcript's 3' end. VCF-style (leftmost placement, unchanged base first): chr6-7580596-TTGA-T. GRCh37 (hg19) VCF-style: chr6-7580829-TTGA-T.
Other names: c.4409_4411ATG[1], p.Asp1471del (NM_004415.2); c.4050+362_4050+364del (NM_001319034.2); c.3582+830_3582+832del (NM_001008844.3); c.4412_4414delATG (NM_004415.2); short protein forms D1471del.
Identifiers: ClinVar variation 3224232 (VCV003224232.1), dbSNP rs2533928565, ClinGen allele CA2578524503.

ClinVar aggregate classification (germline): Uncertain significance (1 of 4 stars; one submission).

Conditions:
Cardiovascular phenotype. Identifiers: MedGen CN230736.

Submission:

Ambry Genetics
Classification: Uncertain significance for Cardiovascular phenotype. Last evaluated: 2024-01-24. Review status: criteria provided, single submitter. Criteria: Ambry Variant Classification Scheme 2023. Collection method: clinical testing. Allele origin: germline.
Comment: The c.4412_4414delATG variant (also known as p.D1471del) is located in coding exon 23 of the DSP gene. This variant results from an in-frame ATG deletion at nucleotide positions 4412 to 4414. This results in the in-frame deletion of an aspartic acid at codon 1471. This amino acid position is well conserved in available vertebrate species. In addition, the in silico prediction for this alteration is inconclusive (Choi Y et al. PLoS ONE. 2012; 7(10):e46688). Based on the available evidence, the clinical significance of this alteration remains unclear.